The following is an entry in ClinVar:

NM_000552.5(VWF):c.7870T>C (p.Cys2624Arg)

Gene: VWF (von Willebrand factor; minus strand). Cytogenetic location: 12p13.31.
Variant type: single nucleotide variant.
Coding change: c.7870T>C on transcript NM_000552.5 (MANE Select); coding-DNA position 7870, T replaced by C.
Protein change: p.Cys2624Arg; replaces cysteine 2624 with arginine.
Molecular consequence: missense variant.
Genome position (GRCh38, 1-based): chr12:5,967,503, A>G on the plus strand (T>C on the coding strand, the complement: VWF is on the minus strand). VCF-style: chr12-5967503-A-G. GRCh37 (hg19) VCF-style: chr12-6076669-A-G.
Other names: short protein forms C2624R.
Identifiers: ClinVar variation 3370676 (VCV003370676.1).

ClinVar aggregate classification (germline): Uncertain significance (1 of 4 stars; one submission).

Submission:

GeneDx
Classification: Uncertain significance. Last evaluated: 2024-03-07. Review status: criteria provided, single submitter. Criteria: GeneDx Variant Classification Process June 2021. Collection method: clinical testing. Allele origin: germline. Affected: yes.
Comment: Not observed at significant frequency in large population cohorts (gnomAD); In silico analysis supports that this missense variant has a deleterious effect on protein structure/function; Has not been previously published as pathogenic or benign to our knowledge